The following is an entry in ClinVar:

ClinVar aggregate classification (germline): Benign. Review status: criteria provided, multiple submitters, no conflicts (2 of 4 stars). 4 submissions from 4 submitters: Benign (4). Last evaluated 2026-02-01.

Conditions:
Auriculocondylar syndrome 2 (ARCND2A). Also called: AURICULOCONDYLAR SYNDROME 2A. Identifiers: Orphanet 137888, MedGen C3553404, MONDO:0013845, OMIM 614669.

Allele frequency attached by ClinVar (database versions not stated): gnomAD exomes 0.04599 and 0.07267; ExAC 0.07222; ESP Exome Variant Server 0.07850; gnomAD 0.08621 and 0.08773; TOPMed 0.09771; 1000 Genomes Project 30x 0.14147; 1000 Genomes Project 0.14377.
gnomAD v4.1: 81,491 of 1,603,224 alleles (5.1%); highest among the groups gnomAD compares: East Asian, 21%; 3,769 homozygotes.

Submissions (4):

Labcorp Genetics (formerly Invitae), Labcorp
Classification: Benign. Last evaluated: 2026-02-01. Review status: criteria provided, single submitter. Criteria: Invitae Variant Classification Sherloc (09022015). Collection method: clinical testing. Allele origin: germline.

GeneDx
Classification: Benign. Last evaluated: 2021-05-05. Review status: criteria provided, single submitter. Criteria: GeneDx Variant Classification Process June 2021. Collection method: clinical testing. Allele origin: germline. Affected: yes.

Illumina Laboratory Services, Illumina
Classification: Benign for Auriculocondylar syndrome 2. Last evaluated: 2018-01-13. Review status: criteria provided, single submitter. Criteria: ICSL Variant Classification Criteria 13 December 2019. Collection method: clinical testing. Allele origin: germline.
Comment: This variant was observed in the ICSL laboratory as part of a predisposition screen in an ostensibly healthy population. It had not been previously curated by ICSL or reported in the Human Gene Mutation Database (HGMD: prior to June 1st, 2018), and was therefore a candidate for classification through an automated scoring system. Utilizing variant allele frequency, disease prevalence and penetrance estimates, and inheritance mode, an automated score was calculated to assess if this variant is too frequent to cause the disease. Based on the score and internal cut-off values, a variant classified as benign is not then subjected to further curation. The score for this variant resulted in a classification of benign for this disease.

Breakthrough Genomics
Classification: Benign. Review status: criteria provided, single submitter. Criteria: ACMG Guidelines, 2015. Collection method: not provided. Allele origin: germline. Inheritance: Autosomal dominant inheritance. Affected: yes.

NM_001377142.1(PLCB4):c.2155-4A>G

Gene: PLCB4 (phospholipase C beta 4; plus strand). Cytogenetic location: 20p12.2.
Variant type: single nucleotide variant.
Coding change: c.2155-4A>G on transcript NM_001377142.1 (MANE Select); 4 bases into the intron before coding-DNA position 2155, A replaced by G.
Molecular consequence: intron variant.
Genome position (GRCh38, 1-based): chr20:9,421,293, A>G. VCF-style: chr20-9421293-A-G. GRCh37 (hg19) VCF-style: chr20-9401940-A-G.
Other names: c.2119-4A>G (NM_001377134.2, NM_000933.4, NM_182797.3 and 2 more transcripts); c.2155-4A>G (NM_001377143.1, NM_001172646.2).
Identifiers: ClinVar variation 339575 (VCV000339575.11), dbSNP rs6056609, ClinGen allele CA9761322.